The following is an entry in ClinVar:

NM_001692.4(ATP6V1B1):c.469del (p.Arg157fs)

Gene: ATP6V1B1 (ATPase H+ transporting V1 subunit B1; plus strand). Cytogenetic location: 2p13.3.
Variant type: Deletion.
Coding change: c.469del on transcript NM_001692.4 (MANE Select); coding-DNA position 469, one base deleted (C; older notation c.469delC).
Protein change: p.Arg157fs; shifts the reading frame from arginine 157.
Molecular consequence: frameshift variant.
Genome position (GRCh38, 1-based): chr2:70,959,962, C deleted; the last of 3 consecutive C bases (chr2:70,959,960-70,959,962); deleting any one gives the same sequence. VCF-style (leftmost placement, unchanged base first): chr2-70959959-TC-T. GRCh37 (hg19) VCF-style: chr2-71187089-TC-T.
Other names: short protein forms R157fs.
Identifiers: ClinVar variation 2903564 (VCV002903564.3), dbSNP rs2466290660, ClinGen allele CA2739274552.
Genomic context (GRCh38, chr2:70,959,959, plus strand): 5'-TTGAACCCCTGAGCATGGCTCTGTGATCGCCCTCTCCCAGGCCAGCCCATCAACCCGCAC[TC>T]CCGCATCTACCCCGAGGAGATGATTCAGACGGGCATTTCTCCTATTGACGTCATGAACAG-3'

ClinVar aggregate classification (germline): Pathogenic (1 of 4 stars; one submission).

Submission:

Labcorp Genetics (formerly Invitae), Labcorp
Classification: Pathogenic. Last evaluated: 2024-02-25. Review status: criteria provided, single submitter. Criteria: Invitae Variant Classification Sherloc (09022015). Collection method: clinical testing. Allele origin: germline.
Comment: This sequence change creates a premature translational stop signal (p.Arg157Alafs*7) in the ATP6V1B1 gene. It is expected to result in an absent or disrupted protein product. Loss-of-function variants in ATP6V1B1 are known to be pathogenic (PMID: 9916796, 18368028). This variant is not present in population databases (gnomAD no frequency). This variant has not been reported in the literature in individuals affected with ATP6V1B1-related conditions. For these reasons, this variant has been classified as Pathogenic.

Literature cited by the submitters: PubMed 9916796; PubMed 18368028.